The following is an entry in ClinVar:

ClinVar aggregate classification (germline): Uncertain significance (1 of 4 stars; one submission).

Allele frequency attached by ClinVar (database versions not stated): gnomAD 0.00001; TOPMed 0.00001.
gnomAD v4.1: 4 of 1,614,050 alleles (0.00025%); highest among the groups gnomAD compares: Non-Finnish European, 0.00034%; no homozygotes.

Submission:

Labcorp Genetics (formerly Invitae), Labcorp
Classification: Uncertain significance. Last evaluated: 2024-02-01. Review status: criteria provided, single submitter. Criteria: Invitae Variant Classification Sherloc (09022015). Collection method: clinical testing. Allele origin: germline.
Comment: This sequence change replaces glutamine, which is neutral and polar, with histidine, which is basic and polar, at codon 482 of the RP1 protein (p.Gln482His). This variant is not present in population databases (gnomAD no frequency). This variant has not been reported in the literature in individuals affected with RP1-related conditions. An algorithm developed to predict the effect of missense changes on protein structure and function (PolyPhen-2) suggests that this variant is likely to be disruptive. In summary, the available evidence is currently insufficient to determine the role of this variant in disease. Therefore, it has been classified as a Variant of Uncertain Significance.

NM_006269.2(RP1):c.1446G>C (p.Gln482His)

Gene: RP1 (RP1 axonemal microtubule associated; plus strand). Cytogenetic location: 8q12.1.
Variant type: single nucleotide variant.
Coding change: c.1446G>C on transcript NM_006269.2 (MANE Select); coding-DNA position 1446, G replaced by C.
Protein change: p.Gln482His; replaces glutamine 482 with histidine.
Molecular consequence: missense variant. On other transcripts: intron variant (1).
Genome position (GRCh38, 1-based): chr8:54,625,328, G>C. VCF-style: chr8-54625328-G-C. GRCh37 (hg19) VCF-style: chr8-55537888-G-C.
Other names: c.787+3040G>C (NM_001375654.1); short protein forms Q482H.
Identifiers: ClinVar variation 2780377 (VCV002780377.3), dbSNP rs896782410, ClinGen allele CA177236742.